The following is an entry in ClinVar:

NM_001297.5(CNGB1):c.2104T>A (p.Tyr702Asn)

Gene: CNGB1 (cyclic nucleotide gated channel subunit beta 1; minus strand). Cytogenetic location: 16q21.
Variant type: single nucleotide variant.
Coding change: c.2104T>A on transcript NM_001297.5 (MANE Select); coding-DNA position 2104, T replaced by A.
Protein change: p.Tyr702Asn; replaces tyrosine 702 with asparagine.
Molecular consequence: missense variant.
Genome position (GRCh38, 1-based): chr16:57,917,330, A>T on the plus strand (T>A on the coding strand, the complement: CNGB1 is on the minus strand). VCF-style: chr16-57917330-A-T. GRCh37 (hg19) VCF-style: chr16-57951234-A-T.
Other names: c.2086T>A, p.Tyr696Asn (NM_001286130.2); short protein forms Y696N, Y702N.
Identifiers: ClinVar variation 973357 (VCV000973357.8), dbSNP rs778003375, ClinGen allele CA8083175.

ClinVar aggregate classification (germline): Conflicting classifications of pathogenicity. Review status: criteria provided, conflicting classifications (1 of 4 stars). 3 submissions from 3 submitters: Pathogenic (1); Likely pathogenic (1); Uncertain significance (1). Last evaluated 2026-02-09.

Conditions:
Retinal disorder. Also called: Retinal disorders; Retinopathies; Retinal Diseases; Retinopathy. Identifiers: MedGen C0035309, MONDO:0005283, HP:0000488.
Retinitis pigmentosa (RP). Identifiers: Orphanet 791, MedGen C0035334, MeSH D012174, MONDO:0019200, OMIM 268000. Inheritance: Autosomal dominant, autosomal recessive and X linked inheritance.

Allele frequency attached by ClinVar (database versions not stated): TOPMed below 0.00001; gnomAD 0.00001; gnomAD exomes 0.00001; ExAC 0.00002.
gnomAD v4.1: 5 of 1,614,032 alleles (0.00031%); highest among the groups gnomAD compares: Non-Finnish European, 0.00042%; no homozygotes.

Submissions (3):

Genetics Laboratory, Great Ormond Street Hospital NHS Foundation Trust, North Thames Genomic Laboratory Hub
Classification: Likely pathogenic for Retinal disorders. Last evaluated: 2026-02-09. Review status: criteria provided, single submitter. Criteria: ACGS Best Practice Guidelines for Variant Classification in Rare Disease 2024 v1.2. Collection method: clinical testing. Allele origin: germline. Affected: yes.
Comment: PM2_moderate, PP3_supporting, PM3_strong

Labcorp Genetics (formerly Invitae), Labcorp
Classification: Pathogenic. Last evaluated: 2023-04-07. Review status: criteria provided, single submitter. Criteria: Invitae Variant Classification Sherloc (09022015). Collection method: clinical testing. Allele origin: germline.
Comment: Advanced modeling of protein sequence and biophysical properties (such as structural, functional, and spatial information, amino acid conservation, physicochemical variation, residue mobility, and thermodynamic stability) performed at Invitae indicates that this missense variant is expected to disrupt CNGB1 protein function. For these reasons, this variant has been classified as Pathogenic. ClinVar contains an entry for this variant (Variation ID: 973357). This missense change has been observed in individual(s) with retinitis pigmentosa (PMID: 30902645). In at least one individual the data is consistent with being in trans (on the opposite chromosome) from a pathogenic variant. This variant is present in population databases (rs778003375, gnomAD 0.003%). This sequence change replaces tyrosine, which is neutral and polar, with asparagine, which is neutral and polar, at codon 702 of the CNGB1 protein (p.Tyr702Asn).

INSERM U1051, Institut des Neurosciences de Montpellier
Classification: Uncertain significance for Retinitis pigmentosa. Last evaluated: 2020-06-24. Review status: criteria provided, single submitter. Criteria: ACMG Guidelines, 2015. Collection method: research. Allele origin: inherited. Affected: yes.

Literature cited by the submitters: PubMed 30902645 (cited by Labcorp Genetics (formerly Invitae), Labcorp).